The following is an entry in ClinVar:

ClinVar aggregate classification (germline): Uncertain significance. Review status: criteria provided, multiple submitters, no conflicts (2 of 4 stars). 5 submissions from 5 submitters: Uncertain significance (5). Last evaluated 2025-09-26.

Conditions:
Epidermolysis bullosa simplex with nail dystrophy (EBS5D). Identifiers: MedGen C4225309, MONDO:0014661, OMIM 616487.
Epidermolysis bullosa simplex, Ogna type (EBS5A). Also called: Pidermolysis bullosa simplex 5A, Ogna type; EPIDERMOLYSIS BULLOSA SIMPLEX 5A, OGNA TYPE. Identifiers: Orphanet 79401, MedGen C0432317, MONDO:0007555, OMIM 131950.
Autosomal recessive limb-girdle muscular dystrophy type 2Q (LGMDR17). Also called: MUSCULAR DYSTROPHY, LIMB-GIRDLE, AUTOSOMAL RECESSIVE 17. Identifiers: Orphanet 254361, MedGen C3150989, MONDO:0013390, OMIM 613723.
Epidermolysis bullosa simplex 5C, with pyloric atresia (EBS5C). Also called: PLEC-Related Epidermolysis Bullosa with Pyloric Atresia; Epidermolysis bullosa simplex with pyloric atresia; PLEC1-Related Epidermolysis Bullosa with Pyloric Atresia. Identifiers: Orphanet 158684, MedGen C2677349, MONDO:0012807, OMIM 612138.
Epidermolysis bullosa simplex 5B, with muscular dystrophy (EBS5B). Also called: EPIDERMOLYSIS BULLOSA SIMPLEX AND LIMB-GIRDLE MUSCULAR DYSTROPHY; Epidermolysis bullosa simplex with muscular dystrophy. Identifiers: Orphanet 257, MedGen C2931072, MONDO:0009181, OMIM 226670.

Allele frequency attached by ClinVar (database versions not stated): gnomAD 0.00013; TOPMed 0.00015; 1000 Genomes Project 30x 0.00016; 1000 Genomes Project 0.00020.
gnomAD v4.1: 90 of 1,610,914 alleles (0.0056%); highest among the groups gnomAD compares: Admixed American, 0.037%; no homozygotes.

Submissions (5):

Mayo Clinic Laboratories, Mayo Clinic
Classification: Uncertain significance. Last evaluated: 2025-09-26. Review status: criteria provided, single submitter. Criteria: ACMG Guidelines, 2015. Collection method: clinical testing. Allele origin: germline. Observed: 2 variant alleles.
Comment: PM2_supporting

Labcorp Genetics (formerly Invitae), Labcorp
Classification: Uncertain significance for Autosomal recessive limb-girdle muscular dystrophy type 2Q; Epidermolysis bullosa simplex, Ogna type; Epidermolysis bullosa simplex with nail dystrophy; Epidermolysis bullosa simplex 5C, with pyloric atresia; Epidermolysis bullosa simplex 5B, with muscular dystrophy. Last evaluated: 2025-06-09. Review status: criteria provided, single submitter. Criteria: Invitae Variant Classification Sherloc (09022015). Collection method: clinical testing. Allele origin: germline.
Comment: This sequence change replaces arginine, which is basic and polar, with cysteine, which is neutral and slightly polar, at codon 3110 of the PLEC protein (p.Arg3110Cys). This variant is present in population databases (rs201455467, gnomAD 0.02%). This variant has not been reported in the literature in individuals affected with PLEC-related conditions. ClinVar contains an entry for this variant (Variation ID: 471671). An algorithm developed to predict the effect of missense changes on protein structure and function (PolyPhen-2) suggests that this variant is likely to be tolerated. In summary, the available evidence is currently insufficient to determine the role of this variant in disease. Therefore, it has been classified as a Variant of Uncertain Significance.

Baylor Genetics
Classification: Uncertain significance for Autosomal recessive limb-girdle muscular dystrophy type 2Q. Last evaluated: 2022-12-28. Review status: criteria provided, single submitter. Criteria: ACMG Guidelines, 2015. Collection method: clinical testing. Allele origin: unknown.

Athena Diagnostics
Classification: Uncertain significance. Last evaluated: 2022-03-07. Review status: criteria provided, single submitter. Criteria: Athena Diagnostics Criteria. Collection method: clinical testing. Allele origin: unknown.

Eurofins Ntd Llc (ga)
Classification: Uncertain significance. Last evaluated: 2017-07-21. Review status: criteria provided, single submitter. Criteria: EGL Classification Definitions 2015. Collection method: clinical testing. Allele origin: germline. Observed: 1 variant allele, 1 heterozygote.

Literature cited by the submitters: PubMed 36430820 (cited by Mayo Clinic Laboratories, Mayo Clinic).

NM_201384.3(PLEC):c.9247C>T (p.Arg3083Cys)

Gene: PLEC (plectin; minus strand). Cytogenetic location: 8q24.3.
Variant type: single nucleotide variant.
Coding change: c.9247C>T on transcript NM_201384.3 (MANE Select); coding-DNA position 9247, C replaced by T.
Protein change: p.Arg3083Cys; replaces arginine 3083 with cysteine.
Molecular consequence: missense variant.
Genome position (GRCh38, 1-based): chr8:143,920,574, G>A on the plus strand (C>T on the coding strand, the complement: PLEC is on the minus strand). VCF-style: chr8-143920574-G-A. GRCh37 (hg19) VCF-style: chr8-144994742-G-A.
Other names: c.9328C>T, p.Arg3110Cys (NM_000445.5); c.9205C>T, p.Arg3069Cys (NM_201378.4); c.9181C>T, p.Arg3061Cys (NM_201379.3); c.9658C>T, p.Arg3220Cys (NM_201380.4); c.9151C>T, p.Arg3051Cys (NM_201381.3); c.9247C>T, p.Arg3083Cys (NM_201382.4); c.9259C>T, p.Arg3087Cys (NM_201383.3); short protein forms R3061C, R3083C, R3051C, R3110C, R3220C, R3069C, R3087C.
Identifiers: ClinVar variation 471671 (VCV000471671.17), dbSNP rs201455467, ClinGen allele CA4925021.